The following is an entry in ClinVar:

NM_001366722.1(GRIP1):c.2155dup (p.Arg719fs)

Gene: GRIP1 (glutamate receptor interacting protein 1; minus strand). Cytogenetic location: 12q14.3.
Variant type: Duplication.
Coding change: c.2155dup on transcript NM_001366722.1 (MANE Select); coding-DNA position 2155, one base duplicated (C; older notation c.2155dupC).
Protein change: p.Arg719fs; shifts the reading frame from arginine 719.
Molecular consequence: frameshift variant.
Genome position (GRCh38, 1-based): chr12:66,392,791, G duplicated on the plus strand (C on the coding strand, the reverse complement: GRIP1 is on the minus strand); the first of 2 consecutive G bases (chr12:66,392,791-66,392,792); duplicating either gives the same sequence. VCF-style (leftmost placement, unchanged base first): chr12-66392790-C-CG. GRCh37 (hg19) VCF-style: chr12-66786570-C-CG.
Other names: c.1999dup, p.Arg667fs (NM_001178074.2, NM_001379351.1, NM_021150.4); c.2074dup, p.Arg692fs (NM_001366723.1, NM_001379348.1); c.2077dup, p.Arg693fs (NM_001366724.1, NM_001379347.1); c.2233dup, p.Arg745fs (NM_001379345.1); c.2155dup, p.Arg719fs (NM_001379346.1, NM_001439323.1); c.2002dup, p.Arg668fs (NM_001379349.1); c.2158dup, p.Arg720fs (NM_001439322.1); short protein forms R667fs, R668fs, R692fs, R693fs, R719fs, R720fs, R745fs.
Identifiers: ClinVar variation 5016193 (VCV005016193.1).

ClinVar aggregate classification (germline): Pathogenic (1 of 4 stars; one submission).

Conditions:
Fraser syndrome 3. Identifiers: MedGen C4540040, MONDO:0054739, OMIM 617667.

Submission:

Myriad Genetics, Inc.
Classification: Pathogenic for Fraser syndrome 3. Last evaluated: 2026-08-02. Review status: criteria provided, single submitter. Criteria: Myriad Autosomal Dominant, Autosomal Recessive and X-Linked Classification Criteria (2023). Collection method: clinical testing. Allele origin: unknown.
Comment: NM_021150.3(GRIP1):c.1999dupC(R667Pfs*7) is expected to be pathogenic in the context of Fraser syndrome, GRIP1-related. This variant is predicted to lead to an abnormal or absent protein product due to the creation of a premature termination codon in GRIP1, a gene where loss-of-function variants are known to be pathogenic. Please note: this variant was assessed in the context of healthy population screening.